The following is an entry in ClinVar:

ClinVar aggregate classification (germline): Uncertain significance (1 of 4 stars; one submission).

Conditions:
Hereditary cancer-predisposing syndrome. Also called: Neoplastic Syndromes, Hereditary; Tumor predisposition; Hereditary Cancer Syndrome; Hereditary neoplastic syndrome. Identifiers: Orphanet 140162, MedGen C0027672, MeSH D009386, MONDO:0015356.

Submission:

Ambry Genetics
Classification: Uncertain significance for Hereditary cancer-predisposing syndrome. Last evaluated: 2024-08-05. Review status: criteria provided, single submitter. Criteria: Ambry Variant Classification Scheme 2023. Collection method: clinical testing. Allele origin: germline.
Comment: The c.712_714delCCA variant (also known as p.P238del) is located in coding exon 7 of the RB1 gene. This variant results from an in-frame CCA deletion at nucleotide positions 712 to 714. This results in the in-frame deletion of a proline at codon 238. This amino acid position is highly conserved in available vertebrate species. In addition, the in silico prediction for this alteration is inconclusive (Choi Y et al. PLoS ONE. 2012; 7(10):e46688). Since supporting evidence is limited at this time, the clinical significance of this alteration remains unclear.

NM_000321.3(RB1):c.712_714del (p.Pro238del)

Gene: RB1 (RB transcriptional corepressor 1; plus strand). Cytogenetic location: 13q14.2.
Variant type: Deletion.
Coding change: c.712_714del on transcript NM_000321.3 (MANE Select); coding-DNA positions 712 to 714, 3 bases deleted (CCA; older notation c.712_714delCCA).
Protein change: p.Pro238del; deletes proline 238.
Genome position (GRCh38, 1-based): chr13:48,360,121-48,360,123, CCA deleted; deleting any 3 consecutive bases within chr13:48,360,120-48,360,123 gives the same sequence; the c. name uses the placement nearest the transcript's 3' end. VCF-style (leftmost placement, unchanged base first): chr13-48360119-AACC-A. GRCh37 (hg19) VCF-style: chr13-48934255-AACC-A.
Other names: c.712_714del, p.Pro238del (NM_001407165.1, NM_001407166.1); short protein forms P238del.
Identifiers: ClinVar variation 3430865 (VCV003430865.1).